The following is an entry in ClinVar:

ClinVar aggregate classification (germline): Pathogenic (1 of 4 stars; one submission).

Conditions:
ZNF142-related disorder. Also called: ZNF142-related condition.

Submission:

PreventionGenetics, part of Exact Sciences
Classification: Pathogenic for ZNF142-related condition. Last evaluated: 2025-09-15. Review status: criteria provided, single submitter. Criteria: ACMG Guidelines, 2015. Collection method: clinical testing. Allele origin: germline.
Comment: The ZNF142 c.4783_4785delinsTA variant is predicted to result in premature protein termination (p.Leu1595*). The variant showed co-segregation with the disease in the family. This variant is described in ClinVar as single variants c.4783del (p.Leu1595fs) (Variation ID: 631475) and c.4785G>A (p.=) (Variation ID: 631476) and as a haplotype c.[4183delC;4185G>A] (Variation ID: 627546). This variant is reported in 0.0033% of alleles in individuals of South Asian descent in gnomAD. Loss-of-function variants in ZNF142 are expected to be pathogenic. This variant is interpreted as pathogenic.

NM_001379659.1(ZNF142):c.4783_4785delinsTA (p.Gly1594_Leu1595insTer)

Gene: ZNF142 (zinc finger protein 142; minus strand). Cytogenetic location: 2q35.
Variant type: Indel.
Coding change: c.4783_4785delinsTA on transcript NM_001379659.1 (MANE Select); coding-DNA positions 4783 to 4785, CTG replaced by TA.
Protein change: p.Gly1594_Leu1595insTer.
Molecular consequence: nonsense. On other transcripts: frameshift variant (5).
Genome position (GRCh38, 1-based): chr2:218,642,331-218,642,333, CAG replaced by TA on the plus strand (CTG replaced by TA on the coding strand, the reverse complement: ZNF142 is on the minus strand). VCF-style: chr2-218642331-CAG-TA. GRCh37 (hg19) VCF-style: chr2-219507054-CAG-TA.
Other names: c.4183_4185delCTGinsTA, p.Leu1395Terfs (NM_001105537.5, NM_001366291.3); c.3694_3696delCTGinsTA, p.Leu1232Terfs (NM_001366287.3, NM_001366288.3, NM_001366289.3); c.4783_4785delinsTA, p.Gly1594_Leu1595insTer (NM_001366290.3, NM_001379660.1, NM_001379661.1); c.4183_4185delinsTA, p.Gly1394_Leu1395insTer (NM_001379662.1).
Identifiers: ClinVar variation 4991206 (VCV004991206.1).